The following is an entry in ClinVar:

ClinVar aggregate classification (germline): Uncertain significance (1 of 4 stars; one submission).

Submission:

CeGaT Center for Human Genetics Tuebingen
Classification: Uncertain significance. Last evaluated: 2022-10-01. Review status: criteria provided, single submitter. Criteria: CeGaT Center For Human Genetics Tuebingen Variant Classification Criteria Version 2. Collection method: clinical testing. Allele origin: germline. Affected: yes. Observed: 1 variant allele.
Comment: SCN8A: PM2

NM_001330260.2(SCN8A):c.896G>A (p.Gly299Asp)

Gene: SCN8A (sodium voltage-gated channel alpha subunit 8; plus strand). Cytogenetic location: 12q13.13.
Variant type: single nucleotide variant.
Coding change: c.896G>A on transcript NM_001330260.2 (MANE Select); coding-DNA position 896, G replaced by A.
Protein change: p.Gly299Asp; replaces glycine 299 with aspartic acid.
Molecular consequence: missense variant.
Genome position (GRCh38, 1-based): chr12:51,699,759, G>A. VCF-style: chr12-51699759-G-A. GRCh37 (hg19) VCF-style: chr12-52093543-G-A.
Other names: c.896G>A, p.Gly299Asp (NM_001177984.3, NM_001369788.1, NM_014191.4); short protein forms G299D.
Identifiers: ClinVar variation 2643000 (VCV002643000.24), dbSNP rs2540173129, ClinGen allele CA385226772.